The following is an entry in ClinVar:

NM_001384474.1(LOXHD1):c.6736G>A (p.Val2246Met)

Gene: LOXHD1 (lipoxygenase homology PLAT domains 1; minus strand). Cytogenetic location: 18q21.1.
Variant type: single nucleotide variant.
Coding change: c.6736G>A on transcript NM_001384474.1 (MANE Select); coding-DNA position 6736, G replaced by A.
Protein change: p.Val2246Met; replaces valine 2246 with methionine.
Molecular consequence: missense variant. On other transcripts: intron variant (3).
Genome position (GRCh38, 1-based): chr18:46,477,558, C>T on the plus strand (G>A on the coding strand, the complement: LOXHD1 is on the minus strand). VCF-style: chr18-46477558-C-T. GRCh37 (hg19) VCF-style: chr18-44057521-C-T.
Other names: c.1453G>A, p.Val485Met (NM_001145473.3); c.6550G>A, p.Val2184Met (NM_144612.7); c.3307+96G>A (NM_001145472.3); c.3033+82G>A (NM_001308013.2); c.1371+82G>A (NM_001173129.2); short protein forms V2246M, V485M, V2184M.
Identifiers: ClinVar variation 2202107 (VCV002202107.2), dbSNP rs768545020, ClinGen allele CA8952017.

ClinVar aggregate classification (germline): Uncertain significance. Review status: criteria provided, multiple submitters, no conflicts (2 of 4 stars). 2 submissions from 2 submitters: Uncertain significance (2). Last evaluated 2023-05-31.

Allele frequency attached by ClinVar (database versions not stated): gnomAD 0.00001; gnomAD exomes 0.00003; TOPMed 0.00003; ExAC 0.00016.
gnomAD v4.1: 42 of 1,551,568 alleles (0.0027%); highest among the groups gnomAD compares: South Asian, 0.032%; no homozygotes.

Submissions (2):

Blueprint Genetics
Classification: Uncertain significance. Last evaluated: 2023-05-31. Review status: criteria provided, single submitter. Criteria: ACMG Guidelines, 2015. Collection method: clinical testing. Allele origin: germline.

Labcorp Genetics (formerly Invitae), Labcorp
Classification: Uncertain significance. Last evaluated: 2022-07-25. Review status: criteria provided, single submitter. Criteria: Invitae Variant Classification Sherloc (09022015). Collection method: clinical testing. Allele origin: germline.
Comment: This sequence change replaces valine, which is neutral and non-polar, with methionine, which is neutral and non-polar, at codon 2184 of the LOXHD1 protein (p.Val2184Met). This variant is present in population databases (rs768545020, gnomAD 0.03%). This variant has not been reported in the literature in individuals affected with LOXHD1-related conditions. Algorithms developed to predict the effect of missense changes on protein structure and function are either unavailable or do not agree on the potential impact of this missense change (SIFT: "Deleterious"; PolyPhen-2: "Possibly Damaging"; Align-GVGD: "Class C0"). In summary, the available evidence is currently insufficient to determine the role of this variant in disease. Therefore, it has been classified as a Variant of Uncertain Significance.